The following is an entry in ClinVar:

ClinVar aggregate classification (germline): Uncertain significance (1 of 4 stars; one submission).

gnomAD v4.1: 22 of 1,613,616 alleles (0.0014%); highest among the groups gnomAD compares: Non-Finnish European, 0.001%; no homozygotes.

Submission:

Labcorp Genetics (formerly Invitae), Labcorp
Classification: Uncertain significance. Last evaluated: 2024-06-29. Review status: criteria provided, single submitter. Criteria: Invitae Variant Classification Sherloc (09022015). Collection method: clinical testing. Allele origin: germline.
Comment: This sequence change replaces asparagine, which is neutral and polar, with serine, which is neutral and polar, at codon 1241 of the ANK3 protein (p.Asn1241Ser). This variant is present in population databases (rs568515869, gnomAD 0.01%). This variant has not been reported in the literature in individuals affected with ANK3-related conditions. Advanced modeling of protein sequence and biophysical properties (such as structural, functional, and spatial information, amino acid conservation, physicochemical variation, residue mobility, and thermodynamic stability) performed at Invitae indicates that this missense variant is not expected to disrupt ANK3 protein function with a negative predictive value of 80%. In summary, the available evidence is currently insufficient to determine the role of this variant in disease. Therefore, it has been classified as a Variant of Uncertain Significance.

NM_020987.5(ANK3):c.3722A>G (p.Asn1241Ser)

Gene: ANK3 (ankyrin 3; minus strand). Cytogenetic location: 10q21.2.
Variant type: single nucleotide variant.
Coding change: c.3722A>G on transcript NM_020987.5 (MANE Select); coding-DNA position 3722, A replaced by G.
Protein change: p.Asn1241Ser; replaces asparagine 1241 with serine.
Molecular consequence: missense variant.
Genome position (GRCh38, 1-based): chr10:60,086,703, T>C on the plus strand (A>G on the coding strand, the complement: ANK3 is on the minus strand). VCF-style: chr10-60086703-T-C. GRCh37 (hg19) VCF-style: chr10-61846461-T-C.
Other names: c.1124A>G, p.Asn375Ser (NM_001149.4); c.3704A>G, p.Asn1235Ser (NM_001204403.2); c.3725A>G, p.Asn1242Ser (NM_001204404.2); c.3722A>G, p.Asn1241Ser (NM_001320874.2); short protein forms N1235S, N1241S, N375S, N1242S.
Identifiers: ClinVar variation 3696116 (VCV003696116.2).
Genomic context (GRCh38, chr10:60,086,703, plus strand): 5'-ATCAATAGGAAGTACAGCAGTGACTTAACCAAACCTGTAATGCTACAGAGAAGACGCAGA[T>C]TGGGTGTAGTGTCCCCTTTGTATCCATTGGATACACCTTCTCCTGAGGGCGGGGGCACCG-3'
Protein context (NP_066267.2, residues 1231-1251): SNGYKGDTTP[Asn1241Ser]LRLLCSITGG